The following is an entry in ClinVar:

NM_014314.4(RIGI):c.119A>G (p.Tyr40Cys)

Gene: RIGI (RNA sensor RIG-I; minus strand). Cytogenetic location: 9p21.1.
Variant type: single nucleotide variant.
Coding change: c.119A>G on transcript NM_014314.4 (MANE Select); coding-DNA position 119, A replaced by G.
Protein change: p.Tyr40Cys; replaces tyrosine 40 with cysteine.
Molecular consequence: missense variant. On other transcripts: 5 prime UTR variant (3).
Genome position (GRCh38, 1-based): chr9:32,500,927, T>C on the plus strand (A>G on the coding strand, the complement: RIGI is on the minus strand). VCF-style: chr9-32500927-T-C. GRCh37 (hg19) VCF-style: chr9-32500925-T-C.
Other names: c.119A>G, p.Tyr40Cys (NM_001385907.1, NM_001385909.1, NM_001385913.1); c.-336A>G (NM_001385910.1, NM_001385914.1); c.-343A>G (NM_001385912.1); short protein forms Y40C.
Identifiers: ClinVar variation 4746625 (VCV004746625.1).

ClinVar aggregate classification (germline): Uncertain significance (1 of 4 stars; one submission).

gnomAD v4.1: 47 of 1,613,856 alleles (0.0029%); highest among the groups gnomAD compares: Non-Finnish European, 0.004%; no homozygotes.

Submission:

Labcorp Genetics (formerly Invitae), Labcorp
Classification: Uncertain significance. Last evaluated: 2025-04-09. Review status: criteria provided, single submitter. Criteria: Invitae Variant Classification Sherloc (09022015). Collection method: clinical testing. Allele origin: germline.
Comment: This sequence change replaces tyrosine, which is neutral and polar, with cysteine, which is neutral and slightly polar, at codon 40 of the DDX58 protein (p.Tyr40Cys). The frequency data for this variant in the population databases is considered unreliable, as metrics indicate poor data quality at this position in the gnomAD database. This variant has not been reported in the literature in individuals affected with DDX58-related conditions. An algorithm developed to predict the effect of missense changes on protein structure and function outputs the following: PolyPhen-2: "Benign". The cysteine amino acid residue is found in multiple mammalian species, which suggests that this missense change does not adversely affect protein function. In summary, the available evidence is currently insufficient to determine the role of this variant in disease. Therefore, it has been classified as a Variant of Uncertain Significance.